The following is an entry in ClinVar:

NM_006648.4(WNK2):c.3802G>A (p.Asp1268Asn)

Gene: WNK2 (WNK lysine deficient protein kinase 2; plus strand). Cytogenetic location: 9q22.31.
Variant type: single nucleotide variant.
Coding change: c.3802G>A on transcript NM_006648.4 (MANE Select); coding-DNA position 3802, G replaced by A.
Protein change: p.Asp1268Asn; replaces aspartic acid 1268 with asparagine.
Molecular consequence: missense variant.
Genome position (GRCh38, 1-based): chr9:93,267,851, G>A. VCF-style: chr9-93267851-G-A. GRCh37 (hg19) VCF-style: chr9-96030133-G-A.
Other names: c.3802G>A, p.Asp1268Asn (NM_001282394.3); short protein forms D1268N.
Identifiers: ClinVar variation 3470246 (VCV003470246.1).

ClinVar aggregate classification (germline): Uncertain significance (1 of 4 stars; one submission).

gnomAD v4.1: 14 of 1,611,594 alleles (0.00087%); highest among the groups gnomAD compares: African/African-American, 0.004%; no homozygotes.

Submission:

Ambry Genetics
Classification: Uncertain significance. Last evaluated: 2024-11-21. Review status: criteria provided, single submitter. Criteria: Ambry Variant Classification Scheme 2023. Collection method: clinical testing. Allele origin: germline.
Comment: The p.D1268N variant (also known as c.3802G>A), located in coding exon 16 of the WNK2 gene, results from a G to A substitution at nucleotide position 3802. The aspartic acid at codon 1268 is replaced by asparagine, an amino acid with highly similar properties. This amino acid position is conserved. In addition, this alteration is predicted to be tolerated by in silico analysis. Based on the available evidence, the clinical significance of this variant remains unclear.